The following is an entry in ClinVar:

NM_000718.4(CACNA1B):c.6140C>T (p.Ala2047Val)

Gene: CACNA1B (calcium voltage-gated channel subunit alpha1 B; plus strand). Cytogenetic location: 9q34.3.
Variant type: single nucleotide variant.
Coding change: c.6140C>T on transcript NM_000718.4 (MANE Select); coding-DNA position 6140, C replaced by T.
Protein change: p.Ala2047Val; replaces alanine 2047 with valine.
Molecular consequence: missense variant.
Genome position (GRCh38, 1-based): chr9:138,120,274, C>T. VCF-style: chr9-138120274-C-T. GRCh37 (hg19) VCF-style: chr9-141014726-C-T.
Other names: c.6140C>T, p.Ala2047Val (NM_001243812.2); short protein forms A2047V.
Identifiers: ClinVar variation 1928788 (VCV001928788.4), dbSNP rs777497745, ClinGen allele CA5377618.
Genomic context (GRCh38, chr9:138,120,274, plus strand): 5'-AGCGGCCCCGTGGGACTCATCTTTGCAGCACCACCCCGGACCGCCCACCCCCTAGCCAGG[C>T]GTCGTCGCACCACCACCACCACCGCTGCCACCGCCGCAGGGACAGGAAGCAGAGGTCCCT-3'
Protein context (NP_000709.1, residues 2037-2057): TTPDRPPPSQ[Ala2047Val]SSHHHHHRCH

ClinVar aggregate classification (germline): Conflicting classifications of pathogenicity. Review status: criteria provided, conflicting classifications (1 of 4 stars). 3 submissions from 3 submitters: Uncertain significance (2); Likely benign (1). Last evaluated 2024-09-20.

Conditions:
Neurodevelopmental disorder with seizures and nonepileptic hyperkinetic movements. Identifiers: MedGen C5193128, MONDO:0032784, OMIM 618497.

Allele frequency attached by ClinVar (database versions not stated): gnomAD 0.00001; TOPMed 0.00001; gnomAD exomes 0.00003; ExAC 0.00008.

Submissions (3):

3billion
Classification: Likely benign for Neurodevelopmental disorder with seizures and nonepileptic hyperkinetic movements. Last evaluated: 2024-09-20. Review status: criteria provided, single submitter. Criteria: ACMG Guidelines, 2015. Collection method: clinical testing. Allele origin: germline. Affected: no.
Comment: The homozygous variant was found in patients diagnosed with another variant in a different gene, with no symptoms related to the gene containing the homozygous variant.

Ambry Genetics
Classification: Uncertain significance. Last evaluated: 2022-11-08. Review status: criteria provided, single submitter. Criteria: Ambry Variant Classification Scheme 2023. Collection method: clinical testing. Allele origin: germline.

Labcorp Genetics (formerly Invitae), Labcorp
Classification: Uncertain significance. Last evaluated: 2022-04-28. Review status: criteria provided, single submitter. Criteria: Invitae Variant Classification Sherloc (09022015). Collection method: clinical testing. Allele origin: germline.
Comment: This sequence change replaces alanine, which is neutral and non-polar, with valine, which is neutral and non-polar, at codon 2047 of the CACNA1B protein (p.Ala2047Val). This variant is present in population databases (rs777497745, gnomAD 0.02%). This variant has not been reported in the literature in individuals affected with CACNA1B-related conditions. Advanced modeling of protein sequence and biophysical properties (such as structural, functional, and spatial information, amino acid conservation, physicochemical variation, residue mobility, and thermodynamic stability) performed at Invitae indicates that this missense variant is not expected to disrupt CACNA1B protein function. In summary, the available evidence is currently insufficient to determine the role of this variant in disease. Therefore, it has been classified as a Variant of Uncertain Significance.